The following is an entry in ClinVar:

NM_000452.3(SLC10A2):c.901G>C (p.Ala301Pro)

Gene: SLC10A2 (solute carrier family 10 member 2; minus strand). Cytogenetic location: 13q33.1.
Variant type: single nucleotide variant.
Coding change: c.901G>C on transcript NM_000452.3 (MANE Select); coding-DNA position 901, G replaced by C.
Protein change: p.Ala301Pro; replaces alanine 301 with proline.
Molecular consequence: missense variant.
Genome position (GRCh38, 1-based): chr13:103,049,307, C>G on the plus strand (G>C on the coding strand, the complement: SLC10A2 is on the minus strand). VCF-style: chr13-103049307-C-G. GRCh37 (hg19) VCF-style: chr13-103701657-C-G.
Other names: short protein forms A301P.
Identifiers: ClinVar variation 4782229 (VCV004782229.1).

ClinVar aggregate classification (germline): Uncertain significance (1 of 4 stars; one submission).

gnomAD v4.1: 1 of 1,613,762 alleles (0.000062%); highest among the groups gnomAD compares: Admixed American, 0.0017%; no homozygotes.

Submission:

Labcorp Genetics (formerly Invitae), Labcorp
Classification: Uncertain significance. Last evaluated: 2025-06-16. Review status: criteria provided, single submitter. Criteria: Invitae Variant Classification Sherloc (09022015). Collection method: clinical testing. Allele origin: germline.
Comment: This sequence change replaces alanine, which is neutral and non-polar, with proline, which is neutral and non-polar, at codon 301 of the SLC10A2 protein (p.Ala301Pro). This variant is present in population databases (no rsID available, gnomAD 0.003%). This variant has not been reported in the literature in individuals affected with SLC10A2-related conditions. Invitae Evidence Modeling of protein sequence and biophysical properties (such as structural, functional, and spatial information, amino acid conservation, physicochemical variation, residue mobility, and thermodynamic stability) indicates that this missense variant is not expected to disrupt SLC10A2 protein function with a negative predictive value of 80%. In summary, the available evidence is currently insufficient to determine the role of this variant in disease. Therefore, it has been classified as a Variant of Uncertain Significance.